The following is an entry in ClinVar:

NM_032242.4(PLXNA1):c.985G>T (p.Gly329Cys)

Gene: PLXNA1 (plexin A1; plus strand). Cytogenetic location: 3q21.3.
Variant type: single nucleotide variant.
Coding change: c.985G>T on transcript NM_032242.4 (MANE Select); coding-DNA position 985, G replaced by T.
Protein change: p.Gly329Cys; replaces glycine 329 with cysteine.
Molecular consequence: missense variant.
Genome position (GRCh38, 1-based): chr3:126,989,578, G>T. VCF-style: chr3-126989578-G-T. GRCh37 (hg19) VCF-style: chr3-126708421-G-T.
Other names: short protein forms G329C.
Identifiers: ClinVar variation 4998850 (VCV004998850.1).

ClinVar aggregate classification (germline): Uncertain significance (1 of 4 stars; one submission).

Conditions:
PLXNA1-related disorder. Also called: PLXNA1-related condition.

gnomAD v4.1: 4 of 1,613,258 alleles (0.00025%); highest among the groups gnomAD compares: Admixed American, 0.005%; no homozygotes.

Submission:

PreventionGenetics, part of Exact Sciences
Classification: Uncertain significance for PLXNA1-related condition. Last evaluated: 2024-12-05. Review status: criteria provided, single submitter. Criteria: ACMG Guidelines, 2015. Collection method: clinical testing. Allele origin: germline.
Comment: The PLXNA1 c.985G>T variant is predicted to result in the amino acid substitution p.Gly329Cys. To our knowledge, this variant has not been reported in the literature. This variant is reported in 0.0087% of alleles in individuals of Latino descent in gnomAD. At this time, the clinical significance of this variant is uncertain due to the absence of conclusive functional and genetic evidence.